The following is an entry in ClinVar:

ClinVar aggregate classification (germline): Uncertain significance (1 of 4 stars; one submission).

Allele frequency attached by ClinVar (database versions not stated): gnomAD exomes 0.00002; 1000 Genomes Project 30x 0.00078.
gnomAD v4.1: 63 of 1,614,154 alleles (0.0039%); highest among the groups gnomAD compares: African/African-American, 0.079%; no homozygotes.

Submission:

Labcorp Genetics (formerly Invitae), Labcorp
Classification: Uncertain significance. Last evaluated: 2026-01-05. Review status: criteria provided, single submitter. Criteria: Invitae Variant Classification Sherloc (09022015). Collection method: clinical testing. Allele origin: germline.
Comment: This sequence change replaces glutamic acid, which is acidic and polar, with aspartic acid, which is acidic and polar, at codon 421 of the SHPK protein (p.Glu421Asp). This variant is present in population databases (no rsID available, gnomAD 0.1%), and has an allele count higher than expected for a pathogenic variant. This variant has not been reported in the literature in individuals affected with SHPK-related conditions. Experimental studies and prediction algorithms are not available or were not evaluated, and the functional significance of this variant is currently unknown. In summary, the available evidence is currently insufficient to determine the role of this variant in disease. Therefore, it has been classified as a Variant of Uncertain Significance.

NM_013276.4(SHPK):c.1263G>C (p.Glu421Asp)

Gene: SHPK (sedoheptulokinase; minus strand). Cytogenetic location: 17p13.2.
Variant type: single nucleotide variant.
Coding change: c.1263G>C on transcript NM_013276.4 (MANE Select); coding-DNA position 1263, G replaced by C.
Protein change: p.Glu421Asp; replaces glutamic acid 421 with aspartic acid.
Molecular consequence: missense variant.
Genome position (GRCh38, 1-based): chr17:3,610,734, C>G on the plus strand (G>C on the coding strand, the complement: SHPK is on the minus strand). VCF-style: chr17-3610734-C-G. GRCh37 (hg19) VCF-style: chr17-3514028-G-G.
Other names: short protein forms E421D.
Identifiers: ClinVar variation 1416183 (VCV001416183.6), dbSNP rs224496, ClinGen allele CA287027153.